The following is an entry in ClinVar:

ClinVar aggregate classification (germline): Uncertain significance. Review status: criteria provided, multiple submitters, no conflicts (2 of 4 stars). 2 submissions from 2 submitters: Uncertain significance (2). Last evaluated 2024-05-14.

Conditions:
Immunodeficiency, common variable, 7. Identifiers: Orphanet 1572, Orphanet 696894, MedGen C3542922, MONDO:0013862, OMIM 614699.

Allele frequency attached by ClinVar (database versions not stated): TOPMed 0.00002.
gnomAD v4.1: 11 of 1,613,768 alleles (0.00068%); highest among the groups gnomAD compares: Admixed American, 0.0033%; no homozygotes.

Submissions (2):

Labcorp Genetics (formerly Invitae), Labcorp
Classification: Uncertain significance for Immunodeficiency, common variable, 7. Last evaluated: 2024-05-14. Review status: criteria provided, single submitter. Criteria: Invitae Variant Classification Sherloc (09022015). Collection method: clinical testing. Allele origin: germline.
Comment: This sequence change replaces arginine, which is basic and polar, with tryptophan, which is neutral and slightly polar, at codon 255 of the CR2 protein (p.Arg255Trp). This variant is present in population databases (no rsID available, gnomAD 0.01%). This variant has not been reported in the literature in individuals affected with CR2-related conditions. ClinVar contains an entry for this variant (Variation ID: 957803). An algorithm developed to predict the effect of missense changes on protein structure and function (PolyPhen-2) suggests that this variant is likely to be disruptive. In summary, the available evidence is currently insufficient to determine the role of this variant in disease. Therefore, it has been classified as a Variant of Uncertain Significance.

Blueprint Genetics
Classification: Uncertain significance. Last evaluated: 2022-09-28. Review status: criteria provided, single submitter. Criteria: ACMG Guidelines, 2015. Collection method: clinical testing. Allele origin: germline.

NM_001006658.3(CR2):c.763C>T (p.Arg255Trp)

Gene: CR2 (complement C3d receptor 2; plus strand). Cytogenetic location: 1q32.2.
Variant type: single nucleotide variant.
Coding change: c.763C>T on transcript NM_001006658.3 (MANE Select); coding-DNA position 763, C replaced by T.
Protein change: p.Arg255Trp; replaces arginine 255 with tryptophan.
Molecular consequence: missense variant.
Genome position (GRCh38, 1-based): chr1:207,469,178, C>T. VCF-style: chr1-207469178-C-T. GRCh37 (hg19) VCF-style: chr1-207642523-C-T.
Other names: c.763C>T, p.Arg255Trp (NM_001877.5); short protein forms R255W.
Identifiers: ClinVar variation 957803 (VCV000957803.10), dbSNP rs61754519, ClinGen allele CA344527159.